The following is an entry in ClinVar:

NM_004168.4(SDHA):c.1972C>T (p.Pro658Ser)

Gene: SDHA (succinate dehydrogenase complex flavoprotein subunit A; plus strand). Cytogenetic location: 5p15.33.
Variant type: single nucleotide variant.
Coding change: c.1972C>T on transcript NM_004168.4 (MANE Select); coding-DNA position 1972, C replaced by T.
Protein change: p.Pro658Ser; replaces proline 658 with serine.
Molecular consequence: missense variant.
Genome position (GRCh38, 1-based): chr5:256,397, C>T. VCF-style: chr5-256397-C-T. GRCh37 (hg19) VCF-style: chr5-256512-C-T.
Other names: c.1828C>T, p.Pro610Ser (NM_001294332.2); c.1729C>T, p.Pro577Ser (NM_001330758.2); short protein forms P577S, P610S, P658S.
Identifiers: ClinVar variation 3754214 (VCV003754214.2).
Genomic context (GRCh38, chr5:256,397, plus strand): 5'-ACTCTGGAATATAGACCCGTGATCGACAAAACTTTGAACGAGGCTGACTGTGCCACCGTC[C>T]CGCCAGCCATTCGCTCCTACTGATGAGACAAGATGTGGTGATGACAGAATCAGCTTTTGT-3'
Protein context (NP_004159.2, residues 648-664): TLNEADCATV[Pro658Ser]PAIRSY

ClinVar aggregate classification (germline): Uncertain significance (1 of 4 stars; one submission).

Conditions:
Mitochondrial complex II deficiency, nuclear type 1. Also called: SUCCINATE CoQ REDUCTASE DEFICIENCY. Identifiers: Orphanet 3208, MedGen C5700310, MONDO:0100294, OMIM 252011.
Pheochromocytoma/paraganglioma syndrome 5. Also called: Paragangliomas 5; SDHA-Related Hereditary Paraganglioma-Pheochromocytoma Syndrome. Identifiers: Orphanet 29072, MedGen C3279992, MONDO:0013602, OMIM 614165.

Submission:

Labcorp Genetics (formerly Invitae), Labcorp
Classification: Uncertain significance for Pheochromocytoma/paraganglioma syndrome 5; Mitochondrial complex II deficiency, nuclear type 1. Last evaluated: 2024-08-28. Review status: criteria provided, single submitter. Criteria: Invitae Variant Classification Sherloc (09022015). Collection method: clinical testing. Allele origin: germline.
Comment: This sequence change replaces proline, which is neutral and non-polar, with serine, which is neutral and polar, at codon 658 of the SDHA protein (p.Pro658Ser). This variant is not present in population databases (gnomAD no frequency). This variant has not been reported in the literature in individuals affected with SDHA-related conditions. Invitae Evidence Modeling of protein sequence and biophysical properties (such as structural, functional, and spatial information, amino acid conservation, physicochemical variation, residue mobility, and thermodynamic stability) indicates that this missense variant is not expected to disrupt SDHA protein function with a negative predictive value of 95%. In summary, the available evidence is currently insufficient to determine the role of this variant in disease. Therefore, it has been classified as a Variant of Uncertain Significance.